The following is an entry in ClinVar:

ClinVar aggregate classification (germline): Uncertain significance. Review status: criteria provided, multiple submitters, no conflicts (2 of 4 stars). 4 submissions from 4 submitters: Uncertain significance (4). Last evaluated 2026-03-26.

Conditions:
Fabry disease. Also called: ALPHA-GALACTOSIDASE A DEFICIENCY; ANDERSON-FABRY DISEASE; CERAMIDE TRIHEXOSIDASE DEFICIENCY; GLA DEFICIENCY; HEREDITARY DYSTOPIC LIPIDOSIS; Fabry's disease. Identifiers: Orphanet 324, MedGen C0002986, MONDO:0010526, OMIM 301500, HP:0001071. Disease mechanism: loss of function, Fabry disease is due to inactivating mutations in the X-linked GLA gene resulting in deficiency of the enzyme Alpha Galactosidase-A..
Cardiovascular phenotype. Identifiers: MedGen CN230736.

Allele frequency attached by ClinVar (database versions not stated): gnomAD exomes below 0.00001; TOPMed 0.00002.
gnomAD v4.1: 3 of 1,207,695 alleles (0.00025%); highest among the groups gnomAD compares: Admixed American, 0.0022%; no homozygotes.

Submissions (4):

Ambry Genetics
Classification: Uncertain significance for Cardiovascular phenotype. Last evaluated: 2026-03-26. Review status: criteria provided, single submitter. Criteria: Ambry Variant Classification Scheme 2023. Collection method: clinical testing. Allele origin: germline.

Labcorp Genetics (formerly Invitae), Labcorp
Classification: Uncertain significance for Fabry disease. Last evaluated: 2025-10-23. Review status: criteria provided, single submitter. Criteria: Invitae Variant Classification Sherloc (09022015). Collection method: clinical testing. Allele origin: germline.
Comment: This sequence change replaces glutamic acid, which is acidic and polar, with lysine, which is basic and polar, at codon 87 of the GLA protein (p.Glu87Lys). This variant is not present in population databases (gnomAD no frequency). This variant has not been reported in the literature in individuals affected with GLA-related conditions. ClinVar contains an entry for this variant (Variation ID: 923554). Invitae Evidence Modeling of protein sequence and biophysical properties (such as structural, functional, and spatial information, amino acid conservation, physicochemical variation, residue mobility, and thermodynamic stability) indicates that this missense variant is not expected to disrupt GLA protein function with a negative predictive value of 80%. In summary, the available evidence is currently insufficient to determine the role of this variant in disease. Therefore, it has been classified as a Variant of Uncertain Significance.

Color Diagnostics, LLC DBA Color Health
Classification: Uncertain significance for Fabry disease. Last evaluated: 2024-03-06. Review status: criteria provided, single submitter. Criteria: ACMG Guidelines, 2015. Collection method: clinical testing. Allele origin: germline.
Comment: This missense variant replaces glutamic acid with lysine at codon 87 of the GLA protein. Computational prediction suggests that this variant may not impact protein structure and function (internally defined REVEL score threshold <= 0.5, PMID: 27666373). To our knowledge, functional studies have not been reported for this variant. This variant has not been reported in individuals affected with GLA-related disorders in the literature. This variant has not been identified in the general population by the Genome Aggregation Database (gnomAD). The available evidence is insufficient to determine the role of this variant in disease conclusively. Therefore, this variant is classified as a Variant of Uncertain Significance.

Fulgent Genetics
Classification: Uncertain significance for Fabry disease. Last evaluated: 2021-10-08. Review status: criteria provided, single submitter. Criteria: ACMG Guidelines, 2015. Collection method: clinical testing. Allele origin: unknown.

NM_000169.3(GLA):c.259G>A (p.Glu87Lys)

Genes: GLA (galactosidase alpha; minus strand), RPL36A-HNRNPH2 (RPL36A-HNRNPH2 readthrough; plus strand). Cytogenetic location: Xq22.1.
Variant type: single nucleotide variant.
Coding change: c.259G>A on transcript NM_000169.3 (MANE Select); coding-DNA position 259, G replaced by A.
Protein change: p.Glu87Lys; replaces glutamic acid 87 with lysine.
Molecular consequence: missense variant. On other transcripts: non-coding transcript variant (3), intron variant (2).
Genome position (GRCh38, 1-based): chrX:101,403,921, C>T on the plus strand (G>A on the coding strand, the complement: GLA is on the minus strand). VCF-style: chrX-101403921-C-T. GRCh37 (hg19) VCF-style: chrX-100658909-C-T.
Other names: c.382G>A, p.Glu128Lys (NM_001406747.1, NM_001406749.1); c.259G>A, p.Glu87Lys (NM_001406748.1); c.301-8015C>T (NM_001199973.2); c.178-8015C>T (NM_001199974.2); short protein forms E87K, E128K.
Identifiers: ClinVar variation 923554 (VCV000923554.11), dbSNP rs986730205, ClinGen allele CA333095185.
Genomic context (GRCh38, chrX:101,403,921, plus strand): 5'-GAAGTCTGCCTTCTGAATCTCTTTGGGGAGCCATCCAACAGTCATCAATGCAGAGGTACT[C>T]ATAACCTGCATCCTTCCAGCCTTCTGAGACCATGAGCTCTGCCATCTCCATGAAGAGCTT-3'
Protein context (NP_000160.1, residues 77-97): VSEGWKDAGY[Glu87Lys]YLCIDDCWMA